The following is an entry in ClinVar:

ClinVar aggregate classification (germline): Uncertain significance. Review status: criteria provided, multiple submitters, no conflicts (2 of 4 stars). 9 submissions from 5 submitters: Uncertain significance (8). 1 of the submissions does not count toward it. Last evaluated 2024-11-13.

Conditions:
TTN-related disorder. Also called: TTN-related condition; TTN-related disease; TTN-related disorders.
Tibial muscular dystrophy (TMD). Also called: Tibial muscular dystrophy, tardive; Udd Distal Myopathy – Tibial Muscular Dystrophy; UDD MYOPATHY. Identifiers: Orphanet 609, MedGen C1838244, MONDO:0010870, OMIM 600334.
Autosomal recessive limb-girdle muscular dystrophy type 2J (LGMDR10). Also called: Limb-girdle muscular dystrophy, type 2J; MUSCULAR DYSTROPHY, LIMB-GIRDLE, AUTOSOMAL RECESSIVE 10. Identifiers: Orphanet 140922, MedGen C1837342, MONDO:0012127, OMIM 608807.
Myopathy, myofibrillar, 9, with early respiratory failure (MFM9). Also called: Hereditary myopathy with early respiratory failure; Myopathy, distal, with early respiratory failure, autosomal dominant; EDSTROM MYOPATHY; MYOPATHY, PROXIMAL, WITH EARLY RESPIRATORY MUSCLE INVOLVEMENT. Identifiers: Orphanet 178464, Orphanet 34521, MedGen C1863599, MONDO:0011362, OMIM 603689.
Early-onset myopathy with fatal cardiomyopathy (CMYO5). Also called: CONGENITAL MYOPATHY 5 WITH CARDIOMYOPATHY; Salih Myopathy. Identifiers: Orphanet 289377, MedGen C2673677, MONDO:0012714, OMIM 611705. Disease mechanism: loss of function.
Dilated cardiomyopathy 1G (CMD1G). Identifiers: Orphanet 154, MedGen C1858763, MONDO:0011400, OMIM 604145.

Allele frequency attached by ClinVar (database versions not stated): gnomAD 0.00001; gnomAD exomes 0.00001; TOPMed 0.00001.
gnomAD v4.1: 12 of 1,591,474 alleles (0.00075%); highest among the groups gnomAD compares: Admixed American, 0.0035%; no homozygotes.

Submissions (9):

Blueprint Genetics
Classification: Uncertain significance. Last evaluated: 2024-11-13. Review status: criteria provided, single submitter. Criteria: ACMG Guidelines, 2015. Collection method: clinical testing. Allele origin: germline.

Women's Health and Genetics/Laboratory Corporation of America, LabCorp
Classification: Uncertain significance. Last evaluated: 2024-03-19. Review status: criteria provided, single submitter. Criteria: LabCorp Variant Classification Summary - May 2015. Collection method: clinical testing. Allele origin: germline.
Comment: Variant summary: TTN c.53784T>G (p.Ile17928Met) results in a conservative amino acid change located in the A-band domain of the encoded protein sequence. Two of four in-silico tools predict a benign effect of the variant on protein function. The variant was absent in 229200 control chromosomes. The available data on variant occurrences in the general population are insufficient to allow any conclusion about variant significance. To our knowledge, no occurrence of c.53784T>G in individuals affected with Limb-Girdle Muscular Dystrophy, Type 2J and no experimental evidence demonstrating its impact on protein function have been reported. ClinVar contains an entry for this variant (Variation ID: 282847). Based on the evidence outlined above, the variant was classified as uncertain significance.

Illumina Laboratory Services, Illumina
Classification: Uncertain significance for Dilated cardiomyopathy 1G. Last evaluated: 2018-01-13. Review status: criteria provided, single submitter. Criteria: ICSL Variant Classification Criteria 13 December 2019. Collection method: clinical testing. Allele origin: germline.

Illumina Laboratory Services, Illumina
Classification: Uncertain significance for Early-onset myopathy with fatal cardiomyopathy. Last evaluated: 2018-01-13. Review status: criteria provided, single submitter. Criteria: ICSL Variant Classification Criteria 13 December 2019. Collection method: clinical testing. Allele origin: germline.

Illumina Laboratory Services, Illumina
Classification: Uncertain significance for Myopathy, myofibrillar, 9, with early respiratory failure. Last evaluated: 2018-01-13. Review status: criteria provided, single submitter. Criteria: ICSL Variant Classification Criteria 13 December 2019. Collection method: clinical testing. Allele origin: germline.

Illumina Laboratory Services, Illumina
Classification: Uncertain significance for Tibial muscular dystrophy. Last evaluated: 2018-01-13. Review status: criteria provided, single submitter. Criteria: ICSL Variant Classification Criteria 13 December 2019. Collection method: clinical testing. Allele origin: germline.

Illumina Laboratory Services, Illumina
Classification: Uncertain significance for Autosomal recessive limb-girdle muscular dystrophy type 2J. Last evaluated: 2018-01-13. Review status: criteria provided, single submitter. Criteria: ICSL Variant Classification Criteria 13 December 2019. Collection method: clinical testing. Allele origin: germline.

Eurofins Ntd Llc (ga)
Classification: Uncertain significance. Last evaluated: 2015-08-19. Review status: criteria provided, single submitter. Criteria: EGL Classification Definitions 2015. Collection method: clinical testing. Allele origin: germline. Observed: 1 variant allele, 1 heterozygote.

PreventionGenetics, part of Exact Sciences
Classification: Uncertain significance for TTN-related condition. Last evaluated: 2024-03-23. Review status: no assertion criteria provided. Collection method: clinical testing. Allele origin: germline. Not counted in ClinVar's aggregate classification.
Comment: The TTN c.61488T>G variant is predicted to result in the amino acid substitution p.Ile20496Met. To our knowledge, this variant has not been reported in the literature or in a large population database, indicating this variant is rare. At this time, the clinical significance of this variant is uncertain due to the absence of conclusive functional and genetic evidence.

NM_001267550.2(TTN):c.61488T>G (p.Ile20496Met)

Genes: TTN (titin; minus strand), TTN-AS1 (TTN antisense RNA 1; plus strand). Cytogenetic location: 2q31.2.
Variant type: single nucleotide variant.
Coding change: c.61488T>G on transcript NM_001267550.2 (MANE Select); coding-DNA position 61488, T replaced by G.
Protein change: p.Ile20496Met; replaces isoleucine 20496 with methionine.
Molecular consequence: missense variant.
Genome position (GRCh38, 1-based): chr2:178,590,237, A>C on the plus strand (T>G on the coding strand, the complement: TTN is on the minus strand). VCF-style: chr2-178590237-A-C. GRCh37 (hg19) VCF-style: chr2-179454964-A-C.
Other names: c.56565T>G, p.Ile18855Met (NM_001256850.1); c.34293T>G, p.Ile11431Met (NM_003319.4); c.53784T>G, p.Ile17928Met (NM_133378.4); c.34668T>G, p.Ile11556Met (NM_133432.3); c.34869T>G, p.Ile11623Met (NM_133437.4); short protein forms I17928M, I18855M, I20496M, I11556M, I11623M, I11431M.
Identifiers: ClinVar variation 282847 (VCV000282847.13), dbSNP rs886042497, ClinGen allele CA10604316.